The following is an entry in ClinVar:

NM_006031.6(PCNT):c.619C>T (p.Gln207Ter)

Gene: PCNT (pericentrin; plus strand). Cytogenetic location: 21q22.3.
Variant type: single nucleotide variant.
Coding change: c.619C>T on transcript NM_006031.6 (MANE Select); coding-DNA position 619, C replaced by T.
Protein change: p.Gln207Ter; replaces glutamine 207 with a stop codon.
Molecular consequence: nonsense.
Genome position (GRCh38, 1-based): chr21:46,334,748, C>T. VCF-style: chr21-46334748-C-T. GRCh37 (hg19) VCF-style: chr21-47754662-C-T.
Other names: c.265C>T, p.Gln89Ter (NM_001315529.2); short protein forms Q207*, Q89*.
Identifiers: ClinVar variation 2762997 (VCV002762997.3), dbSNP rs752985118, ClinGen allele CA410561406.

ClinVar aggregate classification (germline): Pathogenic (1 of 4 stars; one submission).

Submission:

Labcorp Genetics (formerly Invitae), Labcorp
Classification: Pathogenic. Last evaluated: 2023-09-29. Review status: criteria provided, single submitter. Criteria: Invitae Variant Classification Sherloc (09022015). Collection method: clinical testing. Allele origin: germline.
Comment: For these reasons, this variant has been classified as Pathogenic. This sequence change creates a premature translational stop signal (p.Gln207*) in the PCNT gene. It is expected to result in an absent or disrupted protein product. Loss-of-function variants in PCNT are known to be pathogenic (PMID: 18174396, 22821869). This variant is not present in population databases (gnomAD no frequency). This variant has not been reported in the literature in individuals affected with PCNT-related conditions.

Literature cited by the submitters: PubMed 18174396; PubMed 22821869.